The following is an entry in ClinVar:

ClinVar aggregate classification (germline): Uncertain significance. Review status: criteria provided, multiple submitters, no conflicts (2 of 4 stars). 2 submissions from 2 submitters: Uncertain significance (2). Last evaluated 2023-11-06.

Conditions:
Inborn genetic diseases. Identifiers: MedGen C0950123, MeSH D030342.
Saldino-Mainzer syndrome (SRTD9). Also called: Renal dysplasia, retinal pigmentary dystrophy, cerebellar ataxia and skeletal dysplasia; CONORENAL SYNDROME; SHORT-RIB THORACIC DYSPLASIA 9 WITHOUT POLYDACTYLY; short-rib thoracic dysplasia 9 with or without polydactyly. Identifiers: Orphanet 140969, MedGen C1849437, MONDO:0009964, OMIM 266920.

Allele frequency attached by ClinVar (database versions not stated): TOPMed below 0.00001; ExAC 0.00001; gnomAD 0.00001.
gnomAD v4.1: 30 of 1,613,130 alleles (0.0019%); highest among the groups gnomAD compares: Non-Finnish European, 0.0024%; no homozygotes.

Submissions (2):

Ambry Genetics
Classification: Uncertain significance for Inborn genetic diseases. Last evaluated: 2023-11-06. Review status: criteria provided, single submitter. Criteria: Ambry Variant Classification Scheme 2023. Collection method: clinical testing. Allele origin: germline.

Labcorp Genetics (formerly Invitae), Labcorp
Classification: Uncertain significance for Saldino-Mainzer syndrome. Last evaluated: 2021-07-01. Review status: criteria provided, single submitter. Criteria: Invitae Variant Classification Sherloc (09022015). Collection method: clinical testing. Allele origin: germline.
Comment: This sequence change replaces methionine with leucine at codon 293 of the IFT140 protein (p.Met293Leu). The methionine residue is weakly conserved and there is a small physicochemical difference between methionine and leucine. The frequency data for this variant in the population databases is considered unreliable, as metrics indicate poor data quality at this position in the ExAC database. This variant has not been reported in the literature in individuals affected with IFT140-related conditions. Algorithms developed to predict the effect of missense changes on protein structure and function (SIFT, PolyPhen-2, Align-GVGD) all suggest that this variant is likely to be tolerated. In summary, the available evidence is currently insufficient to determine the role of this variant in disease. Therefore, it has been classified as a Variant of Uncertain Significance.

NM_014714.4(IFT140):c.877A>T (p.Met293Leu)

Genes: IFT140 (intraflagellar transport 140; minus strand), LOC105371046 (uncharacterized LOC105371046; plus strand). Cytogenetic location: 16p13.3.
Variant type: single nucleotide variant.
Coding change: c.877A>T on transcript NM_014714.4 (MANE Select); coding-DNA position 877, A replaced by T.
Protein change: p.Met293Leu; replaces methionine 293 with leucine.
Molecular consequence: missense variant.
Genome position (GRCh38, 1-based): chr16:1,587,958, T>A on the plus strand (A>T on the coding strand, the complement: IFT140 is on the minus strand). VCF-style: chr16-1587958-T-A. GRCh37 (hg19) VCF-style: chr16-1637959-T-A.
Other names: c.877A>T (NM_014714.3); short protein forms M293L.
Identifiers: ClinVar variation 1437456 (VCV001437456.9), dbSNP rs761441382, ClinGen allele CA7814524.